The following is an entry in ClinVar:

ClinVar aggregate classification (germline): Conflicting classifications of pathogenicity. Review status: criteria provided, conflicting classifications (1 of 4 stars). 5 submissions from 5 submitters: Uncertain significance (2); Benign (2); Likely benign (1). Last evaluated 2025-11-27.

Conditions:
EPB41-related disorder. Also called: EPB41-related condition.

Allele frequency attached by ClinVar (database versions not stated): gnomAD exomes 0.00024 and 0.00086; gnomAD 0.00026 and 0.00036; TOPMed 0.00053; ExAC 0.00086; 1000 Genomes Project 30x 0.00125; 1000 Genomes Project 0.00160.
gnomAD v4.1: 434 of 1,608,406 alleles (0.027%); highest among the groups gnomAD compares: East Asian, 0.78%; 3 homozygotes.

Submissions (5):

Labcorp Genetics (formerly Invitae), Labcorp
Classification: Benign. Last evaluated: 2025-11-27. Review status: criteria provided, single submitter. Criteria: Invitae Variant Classification Sherloc (09022015). Collection method: clinical testing. Allele origin: germline.

PreventionGenetics, part of Exact Sciences
Classification: Benign for EPB41-related condition. Last evaluated: 2025-03-22. Review status: criteria provided, single submitter. Criteria: ACMG Guidelines, 2015. Collection method: clinical testing. Allele origin: germline.
Comment: This variant is classified as benign based on ACMG/AMP sequence variant interpretation guidelines (Richards et al. 2015 PMID: 25741868, with internal and published modifications).

Blueprint Genetics
Classification: Uncertain significance. Last evaluated: 2024-11-20. Review status: criteria provided, single submitter. Criteria: ACMG Guidelines, 2015. Collection method: clinical testing. Allele origin: germline.

CeGaT Center for Human Genetics Tuebingen
Classification: Likely benign. Last evaluated: 2023-04-01. Review status: criteria provided, single submitter. Criteria: CeGaT Center For Human Genetics Tuebingen Variant Classification Criteria Version 2. Collection method: clinical testing. Allele origin: germline. Affected: yes. Observed: 1 variant allele.
Comment: EPB41: BS1

Mayo Clinic Laboratories, Mayo Clinic
Classification: Uncertain significance. Last evaluated: 2022-10-19. Review status: criteria provided, single submitter. Criteria: ACMG Guidelines, 2015. Collection method: clinical testing. Allele origin: germline. Observed: 3 variant alleles.
Comment: BS1, BS2

NM_001376013.1(EPB41):c.848C>T (p.Thr283Ile)

Gene: EPB41 (erythrocyte membrane protein band 4.1; plus strand). Cytogenetic location: 1p35.3.
Variant type: single nucleotide variant.
Coding change: c.848C>T on transcript NM_001376013.1 (MANE Select); coding-DNA position 848, C replaced by T.
Protein change: p.Thr283Ile; replaces threonine 283 with isoleucine.
Molecular consequence: missense variant.
Genome position (GRCh38, 1-based): chr1:29,015,710, C>T. VCF-style: chr1-29015710-C-T. GRCh37 (hg19) VCF-style: chr1-29342222-C-T.
Other names: c.848C>T, p.Thr283Ile (NM_001166005.2, NM_001166006.2, NM_001376014.1 and 7 more transcripts); c.221C>T, p.Thr74Ile (NM_001166007.2, NM_001376022.1, NM_001376023.1 and 7 more transcripts); c.743C>T, p.Thr248Ile (NM_203343.3); c.221C>T (NM_004437.3); short protein forms T248I, T283I, T74I.
Identifiers: ClinVar variation 1163133 (VCV001163133.39), dbSNP rs189183599, ClinGen allele CA724346.
Genomic context (GRCh38, chr1:29,015,710, plus strand): 5'-CTTAGGTATAAACGTAAAATTCTTTTGTGTTTATTTTTATAGGTGTCCCTTGGAATTTTA[C>T]ATTTAATGTAAAGTTTTATCCACCTGACCCAGCACAGTTAACAGAAGACATAACAAGGTA-3'
Protein context (NP_001362942.1, residues 273-293): KQVRGVPWNF[Thr283Ile]FNVKFYPPDP